The following is an entry in ClinVar:

ClinVar aggregate classification (germline): Pathogenic (1 of 4 stars; one submission).

Submission:

GeneDx
Classification: Pathogenic. Last evaluated: 2018-01-30. Review status: criteria provided, single submitter. Criteria: GeneDx Variant Classification (06012015). Collection method: clinical testing. Allele origin: germline. Affected: yes.
Comment: The c.336dupA variant in the CHD8 gene has not been reported previously as a pathogenic variant nor as a benign variant, to our knowledge. The c.336dupA variant causes a frameshift starting with codon Serine 113, changes this amino acid to a Isoleucine residue, and creates a premature Stop codon at position 35 of the new reading frame, denoted p.Ser113IlefsX35. This variant is predicted to cause loss of normal protein function either through protein truncation or nonsense-mediated mRNA decay. The c.336dupA variant is not observed in large population cohorts (Lek et al., 2016). We interpret c.336dupA as a pathogenic variant.

NM_001170629.2(CHD8):c.336dup (p.Ser113fs)

Gene: CHD8 (chromodomain helicase DNA binding protein 8; minus strand). Cytogenetic location: 14q11.2.
Variant type: Duplication.
Coding change: c.336dup on transcript NM_001170629.2 (MANE Select); coding-DNA position 336, one base duplicated (A; older notation c.336dupA).
Protein change: p.Ser113fs; shifts the reading frame from serine 113.
Molecular consequence: frameshift variant. On other transcripts: intron variant (1).
Genome position (GRCh38, 1-based): chr14:21,431,308, T duplicated on the plus strand (A on the coding strand, the reverse complement: CHD8 is on the minus strand). VCF-style (leftmost placement, unchanged base first): chr14-21431307-A-AT. GRCh37 (hg19) VCF-style: chr14-21899466-A-AT.
Other names: c.6+503dup (NM_020920.4); c.336dupA (NM_001170629.1); short protein forms S113fs.
Identifiers: ClinVar variation 504261 (VCV000504261.2), dbSNP rs1555318675, ClinGen allele CA658798169.
Genomic context (GRCh38, chr14:21,431,307, plus strand): 5'-TCCCTTGGCTCAGGATCTCCTGGCTCTTGGAGACTTGCAAAAGTCCTGATGTTGGCGTCG[A>AT]TGTCTGTAAGACAGGTTGGGCTGGCTGCTCCTGGCTGGCAGGCTGAGTGGTATAATCATG-3'